The following is an entry in ClinVar:

ClinVar aggregate classification (germline): Likely benign. Review status: criteria provided, multiple submitters, no conflicts (2 of 4 stars). 4 submissions from 4 submitters: Likely benign (4). Last evaluated 2026-01-26.

gnomAD v4.1: 401 of 1,613,922 alleles (0.025%); highest among the groups gnomAD compares: Non-Finnish European, 0.033%; no homozygotes.

Submissions (4):

Labcorp Genetics (formerly Invitae), Labcorp
Classification: Likely benign. Last evaluated: 2026-01-26. Review status: criteria provided, single submitter. Criteria: Invitae Variant Classification Sherloc (09022015). Collection method: clinical testing. Allele origin: germline.

CeGaT Center for Human Genetics Tuebingen
Classification: Likely benign. Last evaluated: 2025-07-01. Review status: criteria provided, single submitter. Criteria: CeGaT Center For Human Genetics Tuebingen Variant Classification Criteria Version 2. Collection method: clinical testing. Allele origin: germline. Affected: yes. Observed: 1 variant allele.
Comment: FLNB: BP4, BP7

Blueprint Genetics
Classification: Likely benign. Last evaluated: 2024-10-03. Review status: criteria provided, single submitter. Criteria: ACMG Guidelines, 2015. Collection method: clinical testing. Allele origin: germline.

GeneDx
Classification: Likely benign. Last evaluated: 2021-02-03. Review status: criteria provided, single submitter. Criteria: GeneDx Variant Classification Process June 2021. Collection method: clinical testing. Allele origin: germline. Affected: yes.

NM_001457.4(FLNB):c.2637G>C (p.Pro879=)

Gene: FLNB (filamin B; plus strand). Cytogenetic location: 3p14.3.
Variant type: single nucleotide variant.
Coding change: c.2637G>C on transcript NM_001457.4 (MANE Select); coding-DNA position 2637, G replaced by C.
Protein change: p.Pro879=; no amino-acid change (proline 879 retained).
Molecular consequence: synonymous variant.
Genome position (GRCh38, 1-based): chr3:58,112,210, G>C. VCF-style: chr3-58112210-G-C. GRCh37 (hg19) VCF-style: chr3-58097937-G-C.
Other names: c.2637G>C, p.Pro879= (NM_001164317.2, NM_001164318.2, NM_001164319.2).
Identifiers: ClinVar variation 1212755 (VCV001212755.20), dbSNP rs149334776, ClinGen allele CA2468188.